The following is an entry in ClinVar:

NM_000554.6(CRX):c.*3017C>T

Gene: CRX (cone-rod homeobox; plus strand). Cytogenetic location: 19q13.33.
Variant type: single nucleotide variant.
Coding change: c.*3017C>T on transcript NM_000554.6 (MANE Select); 3017 bases downstream of the stop codon, C replaced by T.
Molecular consequence: 3 prime UTR variant.
Genome position (GRCh38, 1-based): chr19:47,842,984, C>T. VCF-style: chr19-47842984-C-T. GRCh37 (hg19) VCF-style: chr19-48346241-C-T.
Identifiers: ClinVar variation 329779 (VCV000329779.6), dbSNP rs11666244, ClinGen allele CA10648931.

ClinVar aggregate classification (germline): Benign. Review status: criteria provided, multiple submitters, no conflicts (2 of 4 stars). 4 submissions from 2 submitters: Benign (4). Last evaluated 2018-01-13.

Conditions:
Retinitis pigmentosa (RP). Identifiers: Orphanet 791, MedGen C0035334, MeSH D012174, MONDO:0019200, OMIM 268000. Inheritance: Autosomal dominant, autosomal recessive and X linked inheritance.
Cone-rod dystrophy 2 (CORD2). Also called: CONE-ROD RETINAL DYSTROPHY; Cone-rod retinal dystrophy 2. Identifiers: Orphanet 1872, MedGen C3489532, MONDO:0007362, OMIM 120970.
Leber congenital amaurosis 7 (LCA7). Identifiers: Orphanet 65, MedGen C3151192, MONDO:0013449, OMIM 613829.

Allele frequency attached by ClinVar (database versions not stated): 1000 Genomes Project 0.21386; 1000 Genomes Project 30x 0.21658; TOPMed 0.29405; gnomAD 0.30158 and 0.30306; gnomAD exomes 0.33333.
gnomAD v4.1: 45,926 of 152,036 alleles (30%); highest among the groups gnomAD compares: Non-Finnish European, 40%; 7,952 homozygotes.

Submissions (4):

Illumina Laboratory Services, Illumina
Classification: Benign for Retinitis pigmentosa. Last evaluated: 2018-01-13. Review status: criteria provided, single submitter. Criteria: ICSL Variant Classification Criteria 13 December 2019. Collection method: clinical testing. Allele origin: germline.
Comment: This variant was observed in the ICSL laboratory as part of a predisposition screen in an ostensibly healthy population. It had not been previously curated by ICSL or reported in the Human Gene Mutation Database (HGMD: prior to June 1st, 2018), and was therefore a candidate for classification through an automated scoring system. Utilizing variant allele frequency, disease prevalence and penetrance estimates, and inheritance mode, an automated score was calculated to assess if this variant is too frequent to cause the disease. Based on the score and internal cut-off values, a variant classified as benign is not then subjected to further curation. The score for this variant resulted in a classification of benign for this disease.

Illumina Laboratory Services, Illumina
Classification: Benign for Leber congenital amaurosis 7. Last evaluated: 2018-01-13. Review status: criteria provided, single submitter. Criteria: ICSL Variant Classification Criteria 13 December 2019. Collection method: clinical testing. Allele origin: germline.
Comment: the same text as in the submission from Illumina Laboratory Services, Illumina above.

Illumina Laboratory Services, Illumina
Classification: Benign for Cone-rod dystrophy 2. Last evaluated: 2018-01-13. Review status: criteria provided, single submitter. Criteria: ICSL Variant Classification Criteria 13 December 2019. Collection method: clinical testing. Allele origin: germline.
Comment: the same text as in the submission from Illumina Laboratory Services, Illumina above.

Breakthrough Genomics
Classification: Benign. Review status: criteria provided, single submitter. Criteria: ACMG Guidelines, 2015. Collection method: not provided. Allele origin: germline. Inheritance: Autosomal dominant inheritance. Affected: yes.